The following is an entry in ClinVar:

ClinVar aggregate classification (germline): Uncertain significance. Review status: criteria provided, multiple submitters, no conflicts (2 of 4 stars). 2 submissions from 2 submitters: Uncertain significance (2). Last evaluated 2025-05-02.

Submissions (2):

Labcorp Genetics (formerly Invitae), Labcorp
Classification: Uncertain significance. Last evaluated: 2025-05-02. Review status: criteria provided, single submitter. Criteria: Invitae Variant Classification Sherloc (09022015). Collection method: clinical testing. Allele origin: germline.
Comment: This sequence change replaces arginine, which is basic and polar, with histidine, which is basic and polar, at codon 300 of the NR2F1 protein (p.Arg300His). This variant is not present in population databases (gnomAD no frequency). This variant has not been reported in the literature in individuals affected with NR2F1-related conditions. ClinVar contains an entry for this variant (Variation ID: 3369940). Invitae Evidence Modeling of protein sequence and biophysical properties (such as structural, functional, and spatial information, amino acid conservation, physicochemical variation, residue mobility, and thermodynamic stability) has been performed for this missense variant. However, the output from this modeling did not meet the statistical confidence thresholds required to predict the impact of this variant on NR2F1 protein function. In summary, the available evidence is currently insufficient to determine the role of this variant in disease. Therefore, it has been classified as a Variant of Uncertain Significance.

GeneDx
Classification: Uncertain significance. Last evaluated: 2023-12-21. Review status: criteria provided, single submitter. Criteria: GeneDx Variant Classification Process June 2021. Collection method: clinical testing. Allele origin: germline. Affected: yes.
Comment: Not observed at significant frequency in large population cohorts (gnomAD); In silico analysis supports that this missense variant has a deleterious effect on protein structure/function; Has not been previously published as pathogenic or benign to our knowledge; This variant is associated with the following publications: (PMID: 26986877)

NM_005654.6(NR2F1):c.899G>A (p.Arg300His)

Gene: NR2F1 (nuclear receptor subfamily 2 group F member 1; plus strand). Cytogenetic location: 5q15.
Variant type: single nucleotide variant.
Coding change: c.899G>A on transcript NM_005654.6 (MANE Select); coding-DNA position 899, G replaced by A.
Protein change: p.Arg300His; replaces arginine 300 with histidine.
Molecular consequence: missense variant.
Genome position (GRCh38, 1-based): chr5:93,588,352, G>A. VCF-style: chr5-93588352-G-A. GRCh37 (hg19) VCF-style: chr5-92924058-G-A.
Other names: c.449G>A, p.Arg150His (NM_001410754.1); short protein forms R150H, R300H.
Identifiers: ClinVar variation 3369940 (VCV003369940.2).
Genomic context (GRCh38, chr5:93,588,352, plus strand): 5'-CCGGCCTGCATGCCTCGCCCATGTCTGCCGACCGCGTCGTGGCCTTCATGGACCACATCC[G>A]CATCTTCCAGGAGCAGGTGGAGAAGCTCAAGGCGCTACACGTCGACTCAGCCGAGTACAG-3'
Protein context (NP_005645.1, residues 290-310): DRVVAFMDHI[Arg300His]IFQEQVEKLK